The following is an entry in ClinVar:

ClinVar aggregate classification (germline): Benign. Review status: criteria provided, multiple submitters, no conflicts (2 of 4 stars). 3 submissions from 3 submitters: Benign (2). 1 of the submissions does not count toward it. Last evaluated 2019-01-07.

Conditions:
NLGN1-related disorder. Also called: NLGN1-related condition.

Allele frequency attached by ClinVar (database versions not stated): 1000 Genomes Project 0.18830; 1000 Genomes Project 30x 0.18863; gnomAD exomes 0.19455 and 0.19466; ExAC 0.20005; TOPMed 0.20436; gnomAD 0.20802 and 0.20879; ESP Exome Variant Server 0.21006.
gnomAD v4.1: 316,217 of 1,613,100 alleles (20%); highest among the groups gnomAD compares: Middle Eastern, 25%; 32,025 homozygotes.

Submissions (3):

GeneDx
Classification: Benign. Last evaluated: 2019-01-07. Review status: criteria provided, single submitter. Criteria: GeneDx Variant Classification Process June 2021. Collection method: clinical testing. Allele origin: germline. Affected: yes.

Breakthrough Genomics
Classification: Benign. Review status: criteria provided, single submitter. Criteria: ACMG Guidelines, 2015. Collection method: not provided. Allele origin: germline. Inheritance: Autosomal dominant inheritance. Affected: yes.

PreventionGenetics, part of Exact Sciences
Classification: Benign for NLGN1-related condition. Last evaluated: 2019-10-21. Review status: no assertion criteria provided. Collection method: clinical testing. Allele origin: germline. Not counted in ClinVar's aggregate classification.
Comment: This variant is classified as benign based on ACMG/AMP sequence variant interpretation guidelines (Richards et al. 2015 PMID: 25741868, with internal and published modifications).

NM_001365925.2(NLGN1):c.1422G>A (p.Lys474=)

Gene: NLGN1 (neuroligin 1; plus strand). Cytogenetic location: 3q26.31.
Variant type: single nucleotide variant.
Coding change: c.1422G>A on transcript NM_001365925.2 (MANE Select); coding-DNA position 1422, G replaced by A.
Protein change: p.Lys474=; no amino-acid change (lysine 474 retained).
Molecular consequence: synonymous variant.
Genome position (GRCh38, 1-based): chr3:174,279,363, G>A. VCF-style: chr3-174279363-G-A. GRCh37 (hg19) VCF-style: chr3-173997153-G-A.
Other names: c.1422G>A, p.Lys474= (NM_001365923.2, NM_001365924.2, NM_001365926.2 and 2 more transcripts); c.1362G>A, p.Lys454= (NM_001365929.2, NM_001365930.2, NM_001365931.2 and 3 more transcripts); c.1335G>A, p.Lys445= (NM_001365934.2, NM_001365935.2, NM_001365936.2); c.1362G>A (NM_014932.3).
Identifiers: ClinVar variation 1260332 (VCV001260332.5), dbSNP rs7646919, ClinGen allele CA2708733.